The following is an entry in ClinVar:

NM_001244926.2(PRPF4):c.1228T>C (p.Tyr410His)

Gene: PRPF4 (pre-mRNA splicing tri-snRNP complex factor PRPF4; plus strand). Cytogenetic location: 9q32.
Variant type: single nucleotide variant.
Coding change: c.1228T>C on transcript NM_001244926.2 (MANE Select); coding-DNA position 1228, T replaced by C.
Protein change: p.Tyr410His; replaces tyrosine 410 with histidine.
Molecular consequence: missense variant. On other transcripts: non-coding transcript variant (2).
Genome position (GRCh38, 1-based): chr9:113,290,782, T>C. VCF-style: chr9-113290782-T-C. GRCh37 (hg19) VCF-style: chr9-116053062-T-C.
Other names: c.502T>C, p.Tyr168His (NM_001322266.2, NM_001322267.2); c.1231T>C, p.Tyr411His (NM_004697.5); short protein forms Y410H, Y411H, Y168H.
Identifiers: ClinVar variation 4719576 (VCV004719576.1).

ClinVar aggregate classification (germline): Uncertain significance (1 of 4 stars; one submission).

Submission:

Labcorp Genetics (formerly Invitae), Labcorp
Classification: Uncertain significance. Last evaluated: 2025-05-14. Review status: criteria provided, single submitter. Criteria: Invitae Variant Classification Sherloc (09022015). Collection method: clinical testing. Allele origin: germline.
Comment: This sequence change replaces tyrosine, which is neutral and polar, with histidine, which is basic and polar, at codon 411 of the PRPF4 protein (p.Tyr411His). This variant is not present in population databases (gnomAD no frequency). This variant has not been reported in the literature in individuals affected with PRPF4-related conditions. An algorithm developed to predict the effect of missense changes on protein structure and function (PolyPhen-2) suggests that this variant is likely to be tolerated. In summary, the available evidence is currently insufficient to determine the role of this variant in disease. Therefore, it has been classified as a Variant of Uncertain Significance.